The following is an entry in ClinVar:

ClinVar aggregate classification (germline): Uncertain significance (1 of 4 stars; one submission).

Conditions:
Charcot-Marie-Tooth disease type 2. Also called: Charcot-Marie-Tooth type 2. Identifiers: Orphanet 64746, MedGen C0270914, MONDO:0018993.

Submission:

Labcorp Genetics (formerly Invitae), Labcorp
Classification: Uncertain significance for Charcot-Marie-Tooth disease type 2. Last evaluated: 2024-12-31. Review status: criteria provided, single submitter. Criteria: Invitae Variant Classification Sherloc (09022015). Collection method: clinical testing. Allele origin: germline.
Comment: This sequence change replaces lysine, which is basic and polar, with arginine, which is basic and polar, at codon 879 of the AARS protein (p.Lys879Arg). This variant is present in population databases (rs779891276, gnomAD 0.004%). This variant has not been reported in the literature in individuals affected with AARS-related conditions. Invitae Evidence Modeling of protein sequence and biophysical properties (such as structural, functional, and spatial information, amino acid conservation, physicochemical variation, residue mobility, and thermodynamic stability) indicates that this missense variant is not expected to disrupt AARS protein function with a negative predictive value of 95%. In summary, the available evidence is currently insufficient to determine the role of this variant in disease. Therefore, it has been classified as a Variant of Uncertain Significance.

NM_001605.3(AARS1):c.2636A>G (p.Lys879Arg)

Gene: AARS1 (alanyl-tRNA synthetase 1; minus strand). Cytogenetic location: 16q22.1.
Variant type: single nucleotide variant.
Coding change: c.2636A>G on transcript NM_001605.3 (MANE Select); coding-DNA position 2636, A replaced by G.
Protein change: p.Lys879Arg; replaces lysine 879 with arginine.
Molecular consequence: missense variant.
Genome position (GRCh38, 1-based): chr16:70,253,353, T>C on the plus strand (A>G on the coding strand, the complement: AARS1 is on the minus strand). VCF-style: chr16-70253353-T-C. GRCh37 (hg19) VCF-style: chr16-70287256-T-C.
Other names: short protein forms K879R.
Identifiers: ClinVar variation 3719959 (VCV003719959.2).